The following is an entry in ClinVar:

NM_005359.6(SMAD4):c.565C>T (p.Arg189Cys)

Gene: SMAD4 (SMAD family member 4; plus strand). Cytogenetic location: 18q21.2.
Variant type: single nucleotide variant.
Coding change: c.565C>T on transcript NM_005359.6 (MANE Select); coding-DNA position 565, C replaced by T.
Protein change: p.Arg189Cys; replaces arginine 189 with cysteine.
Molecular consequence: missense variant.
Genome position (GRCh38, 1-based): chr18:51,054,891, C>T. VCF-style: chr18-51054891-C-T. GRCh37 (hg19) VCF-style: chr18-48581261-C-T.
Other names: p.R189C:CGT>TGT; c.565C>T (NM_005359.4); short protein forms R189C.
Identifiers: ClinVar variation 41789 (VCV000041789.52), dbSNP rs140743238, ClinGen allele CA162128.
Genomic context (GRCh38, chr18:51,054,891, plus strand): 5'-CAGCCATCGTTGTCCACTGAAGGACATTCAATTCAAACCATCCAGCATCCACCAAGTAAT[C>T]GTGCATCGACAGAGACATACAGCACCCCAGCTCTGTTAGCCCCATCTGAGTCTAATGCTA-3'
Protein context (NP_005350.1, residues 179-199): IQTIQHPPSN[Arg189Cys]ASTETYSTPA

ClinVar aggregate classification (germline): Conflicting classifications of pathogenicity. Review status: criteria provided, conflicting classifications (1 of 4 stars). 21 submissions from 21 submitters: Uncertain significance (2); Benign (5); Likely benign (8). 6 of the submissions do not count toward it. Last evaluated 2026-01-28.

Conditions:
Hereditary cancer-predisposing syndrome. Also called: Tumor predisposition; Hereditary neoplastic syndrome; Neoplastic Syndromes, Hereditary; Hereditary Cancer Syndrome. Identifiers: Orphanet 140162, MedGen C0027672, MeSH D009386, MONDO:0015356.
Familial thoracic aortic aneurysm and aortic dissection (TAAD). Also called: Thoracic aortic aneurysms and dissections. Identifiers: Orphanet 91387, MedGen C4707243, MONDO:0019625.
Juvenile polyposis syndrome (JPS). Identifiers: Orphanet 2929, MedGen C0345893, MONDO:0017380, OMIM 174900.
Juvenile polyposis/hereditary hemorrhagic telangiectasia syndrome (JPHT). Also called: Juvenile Polyposis Syndrome / Hereditary Hemorrhagic Telangiectasia (JPS/HHT); JP/HHT SYNDROME; JUVENILE POLYPOSIS WITH HEREDITARY HEMORRHAGIC TELANGIECTASIA; POLYPOSIS, GENERALIZED JUVENILE, WITH PULMONARY ARTERIOVENOUS MALFORMATION; TELANGIECTASIA, HEREDITARY HEMORRHAGIC, WITH JUVENILE POLYPOSIS COLI. Identifiers: Orphanet 2929, MedGen C1832942, MONDO:0008278, OMIM 175050.

Allele frequency attached by ClinVar (database versions not stated): ExAC 0.00036; 1000 Genomes Project 30x 0.00094; gnomAD 0.00097 and 0.00104; 1000 Genomes Project 0.00100; TOPMed 0.00122; ESP Exome Variant Server 0.00154.
gnomAD v4.1: 415 of 1,614,040 alleles (0.026%); highest among the groups gnomAD compares: African/African-American, 0.36%; no homozygotes.

Submissions (21):

Labcorp Genetics (formerly Invitae), Labcorp
Classification: Benign for Juvenile polyposis syndrome. Last evaluated: 2026-01-28. Review status: criteria provided, single submitter. Criteria: Invitae Variant Classification Sherloc (09022015). Collection method: clinical testing. Allele origin: germline.

Center for Genomic Medicine, Rigshospitalet, Copenhagen University Hospital
Classification: Uncertain significance. Last evaluated: 2025-12-29. Review status: criteria provided, single submitter. Criteria: ACMG Guidelines, 2015. Collection method: clinical testing. Allele origin: germline.
Comment: Classification criteria: BP4

Myriad Genetics, Inc.
Classification: Benign for Juvenile polyposis/hereditary hemorrhagic telangiectasia syndrome. Last evaluated: 2025-01-23. Review status: criteria provided, single submitter. Criteria: Myriad Autosomal Dominant, Autosomal Recessive and X-Linked Classification Criteria (2023). Collection method: clinical testing. Allele origin: unknown.
Comment: This variant is considered benign. Homozygosity has been confirmed in one or more individuals. As homozygosity for pathogenic variants in this gene is generally assumed to result in embryonic lethality, this variant is unlikely to be pathogenic. This variant has been observed at a population frequency that is significantly greater than expected given the associated disease prevalence and penetrance.

ARUP Laboratories, Molecular Genetics and Genomics, ARUP Laboratories
Classification: Likely benign. Last evaluated: 2024-12-27. Review status: criteria provided, single submitter. Criteria: ARUP Molecular Germline Variant Investigation Process 2024. Collection method: clinical testing. Allele origin: germline.

Molecular Pathology, Peter Maccallum Cancer Centre
Classification: Likely benign for Juvenile polyposis/hereditary hemorrhagic telangiectasia syndrome. Last evaluated: 2024-10-24. Review status: criteria provided, single submitter. Criteria: ACMG Guidelines, 2015. Collection method: clinical testing. Allele origin: germline. Inheritance: Autosomal dominant inheritance.

Blueprint Genetics
Classification: Likely benign. Last evaluated: 2024-09-23. Review status: criteria provided, single submitter. Criteria: ACMG Guidelines, 2015. Collection method: clinical testing. Allele origin: germline.

Department of Pathology and Laboratory Medicine, Sinai Health System
Classification: Likely benign for Juvenile polyposis syndrome. Last evaluated: 2022-06-21. Review status: criteria provided, single submitter. Criteria: ACMG Guidelines, 2015. Collection method: clinical testing. Allele origin: germline. Affected: yes.

Women's Health and Genetics/Laboratory Corporation of America, LabCorp
Classification: Benign. Last evaluated: 2021-03-22. Review status: criteria provided, single submitter. Criteria: LabCorp Variant Classification Summary - May 2015. Collection method: clinical testing. Allele origin: germline.
Comment: Variant summary: SMAD4 c.565C>T (p.Arg189Cys) results in a non-conservative amino acid change in the encoded protein sequence. Three of five in-silico tools predict a benign effect of the variant on protein function. The variant allele was found at a frequency of 0.0003 in 252626 control chromosomes, predominantly at a frequency of 0.0036 within the African or African-American subpopulation in the gnomAD database, including 1 homozygotes. The observed variant frequency within African or African-American control individuals in the gnomAD database is approximately 1800 fold of the estimated maximal expected allele frequency for a pathogenic variant in SMAD4 causing Juvenile Polyposis Syndrome phenotype (2e-06), strongly suggesting that the variant is a benign polymorphism found primarily in populations of African or African-American origin. c.565C>T has been reported in the literature in individuals affected with various cancer phenotypes (e.g. Ong_2014, Tung_2014, Wong_2015, Feldman_2016, Schubert_2019). These report(s) do not provide unequivocal conclusions about association of the variant with Juvenile Polyposis Syndrome. At-least one co-occurrence with another pathogenic variant has been observed at our laboratory (BRCA2 c.3860delA, p.Asn1287fs), providing supporting evidence for a benign role. To our knowledge, no experimental evidence demonstrating an impact on protein function has been reported. Eight clinical diagnostic laboratories have submitted clinical-significance assessments for this variant to ClinVar after 2014 without evidence for independent evaluation. Multiple laboratories reported the variant with conflicting assessments (benign, n=1; likely benign, n=5, VUS, n=2). At-least one submitter has re-evaluated this variant as benign since their previous submission as likely benign and some submitters cite overlapping evidence utilized in the context of this evaluation. Based on the emerging majority consensus among peers and the evidence outlined above, the variant was classified as benign.

Sema4
Classification: Benign for Hereditary cancer-predisposing syndrome. Last evaluated: 2020-11-04. Review status: criteria provided, single submitter. Criteria: Sema4 Curation Guidelines. Collection method: curation. Allele origin: germline.

Quest Diagnostics Nichols Institute San Juan Capistrano
Classification: Benign. Last evaluated: 2019-02-04. Review status: criteria provided, single submitter. Criteria: Quest Diagnostics criteria. Collection method: clinical testing. Allele origin: unknown.

Ambry Genetics
Classification: Likely benign for Hereditary cancer-predisposing syndrome; Familial thoracic aortic aneurysm and aortic dissection. Last evaluated: 2018-11-08. Review status: criteria provided, single submitter. Criteria: Ambry Variant Classification Scheme 2023. Collection method: clinical testing. Allele origin: germline.

Eurofins Ntd Llc (ga)
Classification: Uncertain significance. Last evaluated: 2018-04-06. Review status: criteria provided, single submitter. Criteria: EGL ClinVar v180209 classification definitions. Collection method: clinical testing. Allele origin: germline. Observed: 2 variant alleles, 2 heterozygotes.

GeneDx
Classification: Likely benign. Last evaluated: 2017-11-08. Review status: criteria provided, single submitter. Criteria: GeneDx Variant Classification (06012015). Collection method: clinical testing. Allele origin: germline. Affected: yes.
Comment: This variant is considered likely benign or benign based on one or more of the following criteria: it is a conservative change, it occurs at a poorly conserved position in the protein, it is predicted to be benign by multiple in silico algorithms, and/or has population frequency not consistent with disease.

PreventionGenetics, part of Exact Sciences
Classification: Likely benign. Last evaluated: 2017-01-30. Review status: criteria provided, single submitter. Criteria: ACMG Guidelines, 2015. Collection method: clinical testing. Allele origin: germline.

Color Diagnostics, LLC DBA Color Health
Classification: Likely benign for Hereditary cancer-predisposing syndrome. Last evaluated: 2016-05-27. Review status: criteria provided, single submitter. Criteria: ACMG Guidelines, 2015. Collection method: clinical testing. Allele origin: germline.

Counsyl
Classification: Uncertain significance for Juvenile polyposis syndrome. Last evaluated: 2015-12-09. Review status: no assertion criteria provided. Collection method: clinical testing. Allele origin: unknown. Not counted in ClinVar's aggregate classification.

ITMI
No classification provided. Condition: AllHighlyPenetrant. Last evaluated: 2013-09-19. Review status: no classification provided. Collection method: reference population. Allele origin: germline. Not counted in ClinVar's aggregate classification.
Comment: Please see associated publication for description of ethnicities

Biesecker Lab/Clinical Genomics Section, National Institutes of Health
Classification: Uncertain significance. Last evaluated: 2012-07-13. Review status: no assertion criteria provided. Collection method: research. Allele origin: germline. Affected: no. Observed: 1 variant allele. Study: ClinSeq. Not counted in ClinVar's aggregate classification.
ClinVar note: Converted during submission from variant of unknown significance to Uncertain significance.

Clinical Genetics, Academic Medical Center
Classification: Likely benign. Review status: no assertion criteria provided. Collection method: clinical testing. Allele origin: germline. Affected: yes. Study: VKGL Data-share Consensus. Not counted in ClinVar's aggregate classification.

Joint Genome Diagnostic Labs from Nijmegen and Maastricht, Radboudumc and MUMC+
Classification: Likely benign. Review status: no assertion criteria provided. Collection method: clinical testing. Allele origin: germline. Affected: yes. Study: VKGL Data-share Consensus. Not counted in ClinVar's aggregate classification.

Mayo Clinic Laboratories, Mayo Clinic
Classification: Uncertain significance. Review status: no assertion criteria provided. Collection method: clinical testing. Allele origin: unknown. Not counted in ClinVar's aggregate classification.

Literature cited by the submitters: PubMed 24728327 (cited by 4 submitters); PubMed 24983367 (cited by Women's Health and Genetics/Laboratory Corporation of America, LabCorp and Quest Diagnostics Nichols Institute San Juan Capistrano); PubMed 25186627 (cited by 3 submitters); PubMed 25742471 (cited by 3 submitters); PubMed 30426508 (cited by Women's Health and Genetics/Laboratory Corporation of America, LabCorp); PubMed 26614708 (cited by Women's Health and Genetics/Laboratory Corporation of America, LabCorp).